The following is an entry in ClinVar:

ClinVar aggregate classification (germline): Uncertain significance (1 of 4 stars; one submission).

Conditions:
Developmental and epileptic encephalopathy. Identifiers: MedGen C5779964, MONDO:0100620.

Submission:

Labcorp Genetics (formerly Invitae), Labcorp
Classification: Uncertain significance for Early-infantile DEE. Last evaluated: 2021-10-20. Review status: criteria provided, single submitter. Criteria: Invitae Variant Classification Sherloc (09022015). Collection method: clinical testing. Allele origin: germline.
Comment: In summary, the available evidence is currently insufficient to determine the role of this variant in disease. Therefore, it has been classified as a Variant of Uncertain Significance. This variant has not been reported in the literature in individuals affected with SCN1A-related conditions. This variant results in a copy number gain of the genomic region encompassing exon(s) 12-26 of the SCN1A gene. This region includes the termination codon of the gene. This copy number gain extends beyond the assayed region for this gene and therefore may encompass additional genes. As the precise location of this event is unknown, it may be in tandem or it may be located elsewhere in the genome.

NC_000002.11:g.(?_165946660)_(166898954_?)dup

Genes: CSRNP3 (cysteine and serine rich nuclear protein 3; plus strand), GALNT3 (polypeptide N-acetylgalactosaminyltransferase 3; minus strand), SCN1A (sodium voltage-gated channel alpha subunit 1; minus strand), SCN2A (sodium voltage-gated channel alpha subunit 2; plus strand), SCN3A (sodium voltage-gated channel alpha subunit 3; minus strand) and 1 more. Cytogenetic location: 2q24.3.
Variant type: Duplication.
Identifiers: ClinVar variation 1410299 (VCV001410299.38).